The following is an entry in ClinVar:

ClinVar aggregate classification (germline): Pathogenic. Review status: criteria provided, multiple submitters, no conflicts (2 of 4 stars). 3 submissions from 3 submitters: Pathogenic (3). Last evaluated 2025-12-05.

Conditions:
Glycine encephalopathy 2 (GCE2). Identifiers: MedGen C5830559, MONDO:0958192, OMIM 620398.
Glycine encephalopathy. Also called: Non-ketotic hyperglycinemia; Nonketotic hyperglycinemia. Identifiers: Orphanet 407, MedGen C0751748, MONDO:0011612, HP:0008288.

Submissions (3):

Labcorp Genetics (formerly Invitae), Labcorp
Classification: Pathogenic for Glycine encephalopathy. Last evaluated: 2025-12-05. Review status: criteria provided, single submitter. Criteria: Invitae Variant Classification Sherloc (09022015). Collection method: clinical testing. Allele origin: germline.
Comment: This sequence change creates a premature translational stop signal (p.Tyr369*) in the AMT gene. While this is not anticipated to result in nonsense mediated decay, it is expected to disrupt the last 35 amino acid(s) of the AMT protein. This variant is not present in population databases (gnomAD no frequency). This premature translational stop signal has been observed in individual(s) with glycine encephalopathy (PMID: 27362913). In at least one individual the data is consistent with being in trans (on the opposite chromosome) from a pathogenic variant. ClinVar contains an entry for this variant (Variation ID: 962887). For these reasons, this variant has been classified as Pathogenic.

Natera, Inc.
Classification: Pathogenic for Non-ketotic hyperglycinemia. Last evaluated: 2025-08-05. Review status: criteria provided, single submitter. Criteria: Natera Variant Classification Schema (03/2026). Collection method: clinical testing. Allele origin: germline.
Comment: The c.1107_1108delCA variant in AMT is a frameshift variant predicted to shift the reading frame and introduce a stop codon. This variant may result in a truncated or dysfunctional protein product. This variant is rare in the general population with a frequency below the threshold expected for the associated phenotype(s). This variant has been observed in one or more individuals affected with the associated recessive disease, as either homozygous or compound heterozygous with a second variant (PMID: 27362913). Given the available evidence, this variant is classified as Pathogenic.

Fulgent Genetics
Classification: Pathogenic for Glycine encephalopathy 2. Last evaluated: 2023-12-21. Review status: criteria provided, single submitter. Criteria: ACMG Guidelines, 2015. Collection method: clinical testing. Allele origin: germline.

Literature cited by the submitters: PubMed 27362913 (cited by Labcorp Genetics (formerly Invitae), Labcorp and Natera, Inc.).

NM_000481.4(AMT):c.1107_1108del (p.Tyr369_Ser370delinsTer)

Gene: AMT (aminomethyltransferase; minus strand). Cytogenetic location: 3p21.31.
Variant type: Deletion.
Coding change: c.1107_1108del on transcript NM_000481.4 (MANE Select); coding-DNA positions 1107 to 1108, 2 bases deleted (CA; older notation c.1107_1108delCA).
Protein change: p.Tyr369_Ser370delinsTer.
Molecular consequence: nonsense. On other transcripts: non-coding transcript variant (1).
Genome position (GRCh38, 1-based): chr3:49,417,644-49,417,645, TG deleted on the plus strand (CA on the coding strand, the reverse complement: AMT is on the minus strand); deleting any 2 consecutive bases within chr3:49,417,644-49,417,646 gives the same sequence; the c. name uses the placement nearest the transcript's 3' end. VCF-style (leftmost placement, unchanged base first): chr3-49417643-CTG-C. GRCh37 (hg19) VCF-style: chr3-49455076-CTG-C.
Other names: c.1107_1108delCA (NM_000481.3); c.975_976del, p.Tyr325_Ser326delinsTer (NM_001164710.2); c.939_940del, p.Tyr313_Ser314delinsTer (NM_001164711.2); c.1107_1108del, p.Tyr369_Ser370delinsTer (NM_001164712.2).
Identifiers: ClinVar variation 962887 (VCV000962887.12), dbSNP rs2049020585, ClinGen allele CA1139658082.